The following is an entry in ClinVar:

ClinVar aggregate classification (germline): Uncertain significance (1 of 4 stars; one submission).

Submission:

Labcorp Genetics (formerly Invitae), Labcorp
Classification: Uncertain significance. Last evaluated: 2023-07-10. Review status: criteria provided, single submitter. Criteria: Invitae Variant Classification Sherloc (09022015). Collection method: clinical testing. Allele origin: germline.
Comment: In summary, the available evidence is currently insufficient to determine the role of this variant in disease. Therefore, it has been classified as a Variant of Uncertain Significance. Algorithms developed to predict the effect of sequence changes on RNA splicing suggest that this variant may disrupt the consensus splice site. This variant has not been reported in the literature in individuals affected with AK7-related conditions. This variant is not present in population databases (gnomAD no frequency). This variant, c.1497_1511del, results in the deletion of 5 amino acid(s) of the AK7 protein (p.Glu499_Asp503del), but otherwise preserves the integrity of the reading frame.

NM_001350888.2(AK7):c.1486+1091_1486+1105del

Gene: AK7 (adenylate kinase 7; plus strand). Cytogenetic location: 14q32.2.
Variant type: Deletion.
Coding change: c.1486+1091_1486+1105del on transcript NM_001350888.2; bases 1091 to 1105 of the intron after coding-DNA position 1486, 15 bases deleted (GGAGGAGGAAGATGA).
Molecular consequence: intron variant.
Genome position (GRCh38, 1-based): chr14:96,472,697-96,472,711, GGAGGAGGAAGATGA deleted; deleting any 15 consecutive bases within chr14:96,472,686-96,472,711 gives the same sequence; the c. name uses the placement nearest the transcript's 3' end. VCF-style (leftmost placement, unchanged base first): chr14-96472685-AGAGGAAGATGAGGAG-A. GRCh37 (hg19) VCF-style: chr14-96939022-AGAGGAAGATGAGGAG-A.
Other names: c.1486+1091_1486+1105del (NM_001350890.2); c.1358-5768_1358-5754del (NM_001350892.2).
Identifiers: ClinVar variation 2824305 (VCV002824305.3), dbSNP rs2504619648, ClinGen allele CA2739278496.